The following is an entry in ClinVar:

NM_201384.3(PLEC):c.10660A>C (p.Thr3554Pro)

Gene: PLEC (plectin; minus strand). Cytogenetic location: 8q24.3.
Variant type: single nucleotide variant.
Coding change: c.10660A>C on transcript NM_201384.3 (MANE Select); coding-DNA position 10660, A replaced by C.
Protein change: p.Thr3554Pro; replaces threonine 3554 with proline.
Molecular consequence: missense variant.
Genome position (GRCh38, 1-based): chr8:143,919,161, T>G on the plus strand (A>C on the coding strand, the complement: PLEC is on the minus strand). VCF-style: chr8-143919161-T-G. GRCh37 (hg19) VCF-style: chr8-144993329-T-G.
Other names: c.10741A>C, p.Thr3581Pro (NM_000445.5); c.10618A>C, p.Thr3540Pro (NM_201378.4); c.10594A>C, p.Thr3532Pro (NM_201379.3); c.11071A>C, p.Thr3691Pro (NM_201380.4); c.10564A>C, p.Thr3522Pro (NM_201381.3); c.10660A>C, p.Thr3554Pro (NM_201382.4); c.10672A>C, p.Thr3558Pro (NM_201383.3); short protein forms T3522P, T3540P, T3558P, T3554P, T3532P, T3581P, T3691P.
Identifiers: ClinVar variation 1399725 (VCV001399725.8), dbSNP rs2130968063, ClinGen allele CA372497221.
Genomic context (GRCh38, chr8:143,919,161, plus strand): 5'-TGTCGATCTGTGTCTCTTCAAATGCCCTTCTTGTCTCCTCCTCAGTGTACACCTGCGTGG[T>G]CTCCACCACCTCAGCCTTCTCCGCCCCTTTCAGTGGCAGAAGGCGCAAGCCCGTCTCGGG-3'
Protein context (NP_958786.1, residues 3544-3564): KGAEKAEVVE[Thr3554Pro]TQVYTEEETR

ClinVar aggregate classification (germline): Uncertain significance (1 of 4 stars; one submission).

Conditions:
Epidermolysis bullosa simplex 5C, with pyloric atresia (EBS5C). Also called: Epidermolysis bullosa simplex with pyloric atresia; PLEC-Related Epidermolysis Bullosa with Pyloric Atresia; PLEC1-Related Epidermolysis Bullosa with Pyloric Atresia. Identifiers: Orphanet 158684, MedGen C2677349, MONDO:0012807, OMIM 612138.
Epidermolysis bullosa simplex with nail dystrophy (EBS5D). Identifiers: MedGen C4225309, MONDO:0014661, OMIM 616487.
Epidermolysis bullosa simplex 5B, with muscular dystrophy (EBS5B). Also called: Epidermolysis bullosa simplex with muscular dystrophy; EPIDERMOLYSIS BULLOSA SIMPLEX AND LIMB-GIRDLE MUSCULAR DYSTROPHY. Identifiers: Orphanet 257, MedGen C2931072, MONDO:0009181, OMIM 226670.
Autosomal recessive limb-girdle muscular dystrophy type 2Q (LGMDR17). Also called: MUSCULAR DYSTROPHY, LIMB-GIRDLE, AUTOSOMAL RECESSIVE 17. Identifiers: Orphanet 254361, MedGen C3150989, MONDO:0013390, OMIM 613723.
Epidermolysis bullosa simplex, Ogna type (EBS5A). Also called: Pidermolysis bullosa simplex 5A, Ogna type; EPIDERMOLYSIS BULLOSA SIMPLEX 5A, OGNA TYPE. Identifiers: Orphanet 79401, MedGen C0432317, MONDO:0007555, OMIM 131950.

Submission:

Labcorp Genetics (formerly Invitae), Labcorp
Classification: Uncertain significance for Autosomal recessive limb-girdle muscular dystrophy type 2Q; Epidermolysis bullosa simplex, Ogna type; Epidermolysis bullosa simplex with nail dystrophy; Epidermolysis bullosa simplex 5C, with pyloric atresia; Epidermolysis bullosa simplex 5B, with muscular dystrophy. Last evaluated: 2024-12-09. Review status: criteria provided, single submitter. Criteria: Invitae Variant Classification Sherloc (09022015). Collection method: clinical testing. Allele origin: germline.
Comment: This sequence change replaces threonine, which is neutral and polar, with proline, which is neutral and non-polar, at codon 3581 of the PLEC protein (p.Thr3581Pro). This variant is not present in population databases (gnomAD no frequency). This variant has not been reported in the literature in individuals affected with PLEC-related conditions. ClinVar contains an entry for this variant (Variation ID: 1399725). An algorithm developed to predict the effect of missense changes on protein structure and function (PolyPhen-2) suggests that this variant is likely to be disruptive. In summary, the available evidence is currently insufficient to determine the role of this variant in disease. Therefore, it has been classified as a Variant of Uncertain Significance.